The following is an entry in ClinVar:

NM_001177660.3(HABP2):c.-10+2090T>C

Gene: HABP2 (hyaluronan binding protein 2; plus strand). Cytogenetic location: 10q25.3.
Variant type: single nucleotide variant.
Coding change: c.-10+2090T>C on transcript NM_001177660.3; 2090 bases into the intron after 10 bases upstream of the start codon, T replaced by C.
Molecular consequence: intron variant.
Genome position (GRCh38, 1-based): chr10:113,553,051, T>C. VCF-style: chr10-113553051-T-C. GRCh37 (hg19) VCF-style: chr10-115312810-T-C.
Identifiers: ClinVar variation 298891 (VCV000298891.8), dbSNP rs11575695, ClinGen allele CA10628066.

ClinVar aggregate classification (germline): Likely benign (1 of 4 stars; one submission).

Allele frequency attached by ClinVar (database versions not stated): 1000 Genomes Project 0.00679; gnomAD exomes 0.00115; gnomAD 0.00368 and 0.00386; TOPMed 0.00459; 1000 Genomes Project 30x 0.00671.

Submission:

GeneDx
Classification: Likely benign. Last evaluated: 2020-02-14. Review status: criteria provided, single submitter. Criteria: GeneDx Variant Classification Process June 2021. Collection method: clinical testing. Allele origin: germline. Affected: yes.
Comment: See Variant Classification Assertion Criteria.